The following is an entry in ClinVar:

ClinVar aggregate classification (germline): Benign (0 of 4 stars; one submission).

Conditions:
UBA7-related disorder. Also called: UBA7-related condition.

Allele frequency attached by ClinVar (database versions not stated): 1000 Genomes Project 0.00280; 1000 Genomes Project 30x 0.00281.
gnomAD v4.1: 443 of 1,614,112 alleles (0.027%); highest among the groups gnomAD compares: East Asian, 0.93%; 2 homozygotes.

Submission:

PreventionGenetics, part of Exact Sciences
Classification: Benign for UBA7-related condition. Last evaluated: 2019-03-20. Review status: no assertion criteria provided. Collection method: clinical testing. Allele origin: germline.
Comment: This variant is classified as benign based on ACMG/AMP sequence variant interpretation guidelines (Richards et al. 2015 PMID: 25741868, with internal and published modifications).

NM_003335.3(UBA7):c.2516G>C (p.Arg839Pro)

Gene: UBA7 (ubiquitin like modifier activating enzyme 7; minus strand). Cytogenetic location: 3p21.31.
Variant type: single nucleotide variant.
Coding change: c.2516G>C on transcript NM_003335.3 (MANE Select); coding-DNA position 2516, G replaced by C.
Protein change: p.Arg839Pro; replaces arginine 839 with proline.
Molecular consequence: missense variant.
Genome position (GRCh38, 1-based): chr3:49,808,027, C>G on the plus strand (G>C on the coding strand, the complement: UBA7 is on the minus strand). VCF-style: chr3-49808027-C-G. GRCh37 (hg19) VCF-style: chr3-49845460-C-G.
Other names: short protein forms R839P.
Identifiers: ClinVar variation 3051003 (VCV003051003.2), dbSNP rs118020287, ClinGen allele CA2406743.